The following is an entry in ClinVar:

ClinVar aggregate classification (germline): Benign/Likely benign. Review status: criteria provided, multiple submitters, no conflicts (2 of 4 stars). 5 submissions from 5 submitters: Benign (1); Likely benign (3). 1 of the submissions does not count toward it. Last evaluated 2026-09-01.

Conditions:
ZSWIM6-related disorder. Also called: ZSWIM6-related condition.

Allele frequency attached by ClinVar (database versions not stated): ESP Exome Variant Server 0.00394; gnomAD exomes 0.00543 and 0.00286; 1000 Genomes Project 0.00160; 1000 Genomes Project 30x 0.00187; ExAC 0.00203; gnomAD 0.00345 and 0.00361; TOPMed 0.00345.
gnomAD v4.1: 8,061 of 1,551,816 alleles (0.52%); highest among the groups gnomAD compares: Non-Finnish European, 0.65%; 29 homozygotes.

Submissions (5):

CeGaT Center for Human Genetics Tuebingen
Classification: Likely benign. Last evaluated: 2026-09-01. Review status: criteria provided, single submitter. Criteria: CeGaT Center For Human Genetics Tuebingen Variant Classification Criteria Version 2. Collection method: clinical testing. Allele origin: germline. Affected: yes. Observed: 31 variant alleles.
Comment: ZSWIM6: BS2

Labcorp Genetics (formerly Invitae), Labcorp
Classification: Likely benign. Last evaluated: 2026-02-02. Review status: criteria provided, single submitter. Criteria: Invitae Variant Classification Sherloc (09022015). Collection method: clinical testing. Allele origin: germline.

Blueprint Genetics
Classification: Likely benign. Last evaluated: 2024-11-18. Review status: criteria provided, single submitter. Criteria: ACMG Guidelines, 2015. Collection method: clinical testing. Allele origin: germline.

Institute for Genomic Medicine (IGM) Clinical Laboratory, Nationwide Children's Hospital
Classification: Benign. Last evaluated: 2017-04-19. Review status: criteria provided, single submitter. Criteria: ACMG Guidelines, 2015. Collection method: clinical testing. Allele origin: germline.
Comment: BS1,BS2; This alteration has an allele frequency that is greater than expected for the associated disease, and was seen in a healthy adult where full penetrance of the disorder is expected at an early age.

PreventionGenetics, part of Exact Sciences
Classification: Benign for ZSWIM6-related condition. Last evaluated: 2024-03-19. Review status: no assertion criteria provided. Collection method: clinical testing. Allele origin: germline. Not counted in ClinVar's aggregate classification.
Comment: This variant is classified as benign based on ACMG/AMP sequence variant interpretation guidelines (Richards et al. 2015 PMID: 25741868, with internal and published modifications).

NM_020928.2(ZSWIM6):c.1729C>T (p.Arg577Cys)

Gene: ZSWIM6 (zinc finger SWIM-type containing 6; plus strand). Cytogenetic location: 5q12.1.
Variant type: single nucleotide variant.
Coding change: c.1729C>T on transcript NM_020928.2 (MANE Select); coding-DNA position 1729, C replaced by T.
Protein change: p.Arg577Cys; replaces arginine 577 with cysteine.
Molecular consequence: missense variant.
Genome position (GRCh38, 1-based): chr5:61,526,288, C>T. VCF-style: chr5-61526288-C-T. GRCh37 (hg19) VCF-style: chr5-60822115-C-T.
Other names: short protein forms R577C.
Identifiers: ClinVar variation 599455 (VCV000599455.46), dbSNP rs116036211, ClinGen allele CA3278380.